The following is an entry in ClinVar:

ClinVar aggregate classification (germline): Uncertain significance (1 of 4 stars; one submission).

gnomAD v4.1: 7 of 1,614,108 alleles (0.00043%); highest among the groups gnomAD compares: East Asian, 0.016%; no homozygotes.

Submission:

Labcorp Genetics (formerly Invitae), Labcorp
Classification: Uncertain significance. Last evaluated: 2025-09-11. Review status: criteria provided, single submitter. Criteria: Invitae Variant Classification Sherloc (09022015). Collection method: clinical testing. Allele origin: germline.
Comment: This sequence change replaces serine, which is neutral and polar, with arginine, which is basic and polar, at codon 252 of the FAM111A protein (p.Ser252Arg). This variant is present in population databases (rs778734687, gnomAD 0.03%). This variant has not been reported in the literature in individuals affected with FAM111A-related conditions. ClinVar contains an entry for this variant (Variation ID: 3608731). Invitae Evidence Modeling of protein sequence and biophysical properties (such as structural, functional, and spatial information, amino acid conservation, physicochemical variation, residue mobility, and thermodynamic stability) indicates that this missense variant is not expected to disrupt FAM111A protein function with a negative predictive value of 80%. In summary, the available evidence is currently insufficient to determine the role of this variant in disease. Therefore, it has been classified as a Variant of Uncertain Significance.

NM_001312909.2(FAM111A):c.756C>G (p.Ser252Arg)

Gene: FAM111A (FAM111 trypsin like peptidase A; plus strand). Cytogenetic location: 11q12.1.
Variant type: single nucleotide variant.
Coding change: c.756C>G on transcript NM_001312909.2 (MANE Select); coding-DNA position 756, C replaced by G.
Protein change: p.Ser252Arg; replaces serine 252 with arginine.
Molecular consequence: missense variant.
Genome position (GRCh38, 1-based): chr11:59,152,424, C>G. VCF-style: chr11-59152424-C-G. GRCh37 (hg19) VCF-style: chr11-58919897-C-G.
Other names: c.756C>G, p.Ser252Arg (NM_001142519.3, NM_001142520.3, NM_001142521.3 and 29 more transcripts); short protein forms S252R.
Identifiers: ClinVar variation 3608731 (VCV003608731.2).